The following is an entry in ClinVar:

ClinVar aggregate classification (germline): Uncertain significance. Review status: criteria provided, multiple submitters, no conflicts (2 of 4 stars). 2 submissions from 2 submitters: Uncertain significance (2). Last evaluated 2023-08-10.

Conditions:
Inborn genetic diseases. Identifiers: MedGen C0950123, MeSH D030342.
Charcot-Marie-Tooth disease type 4. Also called: Charcot-Marie-Tooth disease, type IV; Charcot-Marie-Tooth, Type 4. Identifiers: Orphanet 64749, MedGen C4082197, MONDO:0018995.

Allele frequency attached by ClinVar (database versions not stated): gnomAD 0.00001; TOPMed 0.00002; gnomAD exomes 0.00004; ExAC 0.00007.
gnomAD v4.1: 60 of 1,614,002 alleles (0.0037%); highest among the groups gnomAD compares: Non-Finnish European, 0.005%; no homozygotes.

Submissions (2):

Labcorp Genetics (formerly Invitae), Labcorp
Classification: Uncertain significance for Charcot-Marie-Tooth disease type 4. Last evaluated: 2023-08-10. Review status: criteria provided, single submitter. Criteria: Invitae Variant Classification Sherloc (09022015). Collection method: clinical testing. Allele origin: germline.
Comment: This sequence change replaces lysine, which is basic and polar, with glutamic acid, which is acidic and polar, at codon 733 of the FGD4 protein (p.Lys733Glu). This variant is present in population databases (rs746459196, gnomAD 0.009%). This variant has not been reported in the literature in individuals affected with FGD4-related conditions. ClinVar contains an entry for this variant (Variation ID: 577465). Advanced modeling of protein sequence and biophysical properties (such as structural, functional, and spatial information, amino acid conservation, physicochemical variation, residue mobility, and thermodynamic stability) performed at Invitae indicates that this missense variant is not expected to disrupt FGD4 protein function. In summary, the available evidence is currently insufficient to determine the role of this variant in disease. Therefore, it has been classified as a Variant of Uncertain Significance.

Ambry Genetics
Classification: Uncertain significance for Inborn genetic diseases. Last evaluated: 2021-09-14. Review status: criteria provided, single submitter. Criteria: Ambry Variant Classification Scheme 2023. Collection method: clinical testing. Allele origin: germline.

NM_001370298.3(FGD4):c.2608A>G (p.Lys870Glu)

Gene: FGD4 (FYVE, RhoGEF and PH domain containing 4; plus strand). Cytogenetic location: 12p11.21.
Variant type: single nucleotide variant.
Coding change: c.2608A>G on transcript NM_001370298.3 (MANE Select); coding-DNA position 2608, A replaced by G.
Protein change: p.Lys870Glu; replaces lysine 870 with glutamic acid.
Molecular consequence: missense variant.
Genome position (GRCh38, 1-based): chr12:32,640,429, A>G. VCF-style: chr12-32640429-A-G. GRCh37 (hg19) VCF-style: chr12-32793363-A-G.
Other names: c.2452A>G, p.Lys818Glu (NM_001304481.2); c.1165A>G, p.Lys389Glu (NM_001304484.2); c.1918A>G, p.Lys640Glu (NM_001330373.2, NM_001330374.2, NM_001384130.1); c.1645A>G, p.Lys549Glu (NM_001370297.1); c.2608A>G, p.Lys870Glu (NM_001384126.1); c.2197A>G, p.Lys733Glu (NM_001384127.1, NM_001384128.1, NM_001385118.1 and 1 more transcripts); c.2197A>G (NM_139241.2); short protein forms K733E, K818E, K640E, K389E, K549E, K870E.
Identifiers: ClinVar variation 577465 (VCV000577465.8), dbSNP rs746459196, ClinGen allele CA6507128.